The following is an entry in ClinVar:

NM_001034853.2(RPGR):c.223A>G (p.Ile75Val)

Gene: RPGR (retinitis pigmentosa GTPase regulator; minus strand). Cytogenetic location: Xp11.4.
Variant type: single nucleotide variant.
Coding change: c.223A>G on transcript NM_001034853.2 (MANE Select); coding-DNA position 223, A replaced by G.
Protein change: p.Ile75Val; replaces isoleucine 75 with valine.
Molecular consequence: missense variant. On other transcripts: non-coding transcript variant (6).
Genome position (GRCh38, 1-based): chrX:38,322,877, T>C on the plus strand (A>G on the coding strand, the complement: RPGR is on the minus strand). VCF-style: chrX-38322877-T-C. GRCh37 (hg19) VCF-style: chrX-38182130-T-C.
Other names: NM_001034853.2(RPGR):c.223A>G; c.223A>G, p.Ile75Val (NM_000328.3, NM_001367245.1, NM_001367246.1 and 4 more transcripts); c.253A>G, p.Ile85Val (NM_001367248.1); short protein forms I75V, I85V.
Identifiers: ClinVar variation 100560 (VCV000100560.31), dbSNP rs111631988, ClinGen allele CA202241.
Genomic context (GRCh38, chrX:38,322,877, plus strand): 5'-TTATACAGTTTGTGAAAAGATAAAAAGATCCCAAACCTTTGACACATGTTGGCTTGCTGA[T>C]GGCTGACTTTGATCCTAATCCTAACTGACCCCAGTTGTTACTGCCAAACATGTAAAGTTT-3'
Protein context (NP_001030025.1, residues 65-85): GQLGLGSKSA[Ile75Val]SKPTCVKALK

ClinVar aggregate classification (germline): Benign. Review status: reviewed by expert panel (3 of 4 stars). 14 submissions from 14 submitters: Benign (1). 13 of the submissions do not count toward it. Last evaluated 2025-08-04.

Conditions:
RPGR-related retinopathy. Also called: RPGR retinopathy. Identifiers: MedGen CN305589, MONDO:0100437.
Macular degeneration, X-linked atrophic. Identifiers: Orphanet 1872, MedGen C3151784, MONDO:0010443, OMIM 300834.
X-linked cone-rod dystrophy 1 (CORDX1). Identifiers: Orphanet 1872, MedGen C1844776, MONDO:0010566, OMIM 304020.
Retinitis pigmentosa 3. Also called: CHOROIDORETINAL DEGENERATION WITH RETINAL REFLEX IN HETEROZYGOUS WOMEN. Identifiers: Orphanet 791, MedGen C1845667, MONDO:0010227, OMIM 300029.
Retinitis pigmentosa, X-linked, and sinorespiratory infections, with or without deafness (RPSRDF). Identifiers: Orphanet 247522, MedGen C2749137, OMIM 300455.
Primary ciliary dyskinesia. Also called: Ciliary dyskinesia. Identifiers: Orphanet 244, MedGen C0008780, MONDO:0016575, HP:0012265.

Allele frequency attached by ClinVar (database versions not stated): gnomAD exomes 0.01199 and 0.01586; ExAC 0.01754; 1000 Genomes Project 0.02543; 1000 Genomes Project 30x 0.02914; gnomAD 0.03195 and 0.03363; TOPMed 0.03568; ESP Exome Variant Server 0.03825.
gnomAD v4.1: 16,831 of 1,208,675 alleles (1.4%); highest among the groups gnomAD compares: African/African-American, 8.9%; 224 homozygotes.

Submissions (14):

ClinGen X-linked Inherited Retinal Disease Variant Curation Expert Panel, ClinGen
Classification: Benign for RPGR-related retinopathy. Last evaluated: 2025-08-04. Review status: reviewed by expert panel. Criteria: ClinGen X LinkedIRD ACMG Specifications RPGR V1.0.0. Collection method: curation. Allele origin: germline. Inheritance: X-linked inheritance.
Comment: NM_001034853.2(RPGR):c.223A>G (p.Ile75Val) is a missense variant predicted to cause substitution of isoleucine by valine at amino acid 75. This variant is present in gnomAD v.4.1.0 at a frequency of 0.01338 among hemizygous individuals, with 5304 variant alleles / 396,459 total hemizygous alleles, which is higher than the ClinGen X-linked IRD VCEP BA1 threshold of >0.000005 (BA1). The computational predictor REVEL gives a score of 0.218, which is below the ClinGen X-linked IRD VCEP threshold of <0.290 and predicts a non-damaging effect on RPGR function. However, the splicing impact predictor SpliceAI gives a delta score of 0.12 for acceptor gain, which falls in the intermediate range above the ClinGen X-linked IRD VCEP recommended BP4 threshold of <0.1 but lower than the PP3 threshold of >0.2, so neither in silico code is met. In summary, this variant is classified as benign for RPGR-related retinopathy based on the ClinGen X-linked Inherited Retinal Disease Expert Panel Specifications to the ACMG/AMP Variant Interpretation Guidelines for RPGR Version 1.0.0; BA1. (date of approval 05/16/2025).

Labcorp Genetics (formerly Invitae), Labcorp
Classification: Benign for Primary ciliary dyskinesia. Last evaluated: 2026-02-04. Review status: criteria provided, single submitter. Criteria: Invitae Variant Classification Sherloc (09022015). Collection method: clinical testing. Allele origin: germline. Not counted in ClinVar's aggregate classification.

Blueprint Genetics
Classification: Benign. Last evaluated: 2024-11-28. Review status: criteria provided, single submitter. Criteria: ACMG Guidelines, 2015. Collection method: clinical testing. Allele origin: germline. Not counted in ClinVar's aggregate classification.

Mayo Clinic Laboratories, Mayo Clinic
Classification: Benign. Last evaluated: 2023-06-21. Review status: criteria provided, single submitter. Criteria: ACMG Guidelines, 2015. Collection method: clinical testing. Allele origin: germline. Observed: 5 variant alleles. Not counted in ClinVar's aggregate classification.
Comment: BA1, BP4

Women's Health and Genetics/Laboratory Corporation of America, LabCorp
Classification: Likely benign. Last evaluated: 2022-01-11. Review status: criteria provided, single submitter. Criteria: LabCorp Variant Classification Summary - May 2015. Collection method: clinical testing. Allele origin: germline. Not counted in ClinVar's aggregate classification.

Fulgent Genetics
Classification: Benign for Retinitis pigmentosa 3; Retinitis pigmentosa, X-linked, and sinorespiratory infections, with or without deafness; Macular degeneration, X-linked atrophic; X-linked cone-rod dystrophy 1. Last evaluated: 2021-11-09. Review status: criteria provided, single submitter. Criteria: ACMG Guidelines, 2015. Collection method: clinical testing. Allele origin: unknown. Not counted in ClinVar's aggregate classification.

PreventionGenetics, part of Exact Sciences
Classification: Benign. Last evaluated: 2019-11-27. Review status: criteria provided, single submitter. Criteria: ACMG Guidelines, 2015. Collection method: clinical testing. Allele origin: germline. Not counted in ClinVar's aggregate classification.

GeneDx
Classification: Benign. Last evaluated: 2018-07-09. Review status: criteria provided, single submitter. Criteria: GeneDx Variant Classification Process June 2021. Collection method: clinical testing. Allele origin: germline. Affected: yes. Not counted in ClinVar's aggregate classification.
Comment: This variant is associated with the following publications: (PMID: 22995991, 22025579, 9399904, 27884173)

Eurofins Ntd Llc (ga)
Classification: Benign. Last evaluated: 2015-05-13. Review status: criteria provided, single submitter. Criteria: EGL Classification Definitions 2015. Collection method: clinical testing. Allele origin: germline. Observed: 1 variant allele, 1 heterozygote. Not counted in ClinVar's aggregate classification.

Laboratory for Molecular Medicine, Mass General Brigham Personalized Medicine
Classification: Benign. Last evaluated: 2015-01-13. Review status: criteria provided, single submitter. Criteria: LMM Criteria. Collection method: clinical testing. Allele origin: germline. Observed: 6 variant alleles. Not counted in ClinVar's aggregate classification.
Comment: p.Ile75Val in exon 3 of RPGR: This variant is not expected to have clinical sign ificance because it has been identified in 8.9% (343/3833) of African American c hromosomes from a broad population by the NHLBI Exome Sequencing Project (dbSNP rs111631988).

Ambry Genetics
Classification: Benign for Primary ciliary dyskinesia. Last evaluated: 2014-12-01. Review status: criteria provided, single submitter. Criteria: Ambry Variant Classification Scheme 2023. Collection method: clinical testing. Allele origin: germline. Not counted in ClinVar's aggregate classification.

Breakthrough Genomics
Classification: Likely benign. Review status: criteria provided, single submitter. Criteria: ACMG Guidelines, 2015. Collection method: not provided. Allele origin: germline. Inheritance: X-linked inheritance. Affected: yes. Not counted in ClinVar's aggregate classification.

Department of Ophthalmology and Visual Sciences Kyoto University
Classification: Likely benign. Review status: no assertion criteria provided. Collection method: not provided. Allele origin: unknown. Not counted in ClinVar's aggregate classification.
ClinVar note: Converted during submission from probable-non-pathogenic to Likely benign.

NEI Ophthalmic Genomics Laboratory, National Institutes of Health
No classification provided. Review status: no classification provided. Collection method: not provided. Allele origin: not provided. Not counted in ClinVar's aggregate classification.